The following is an entry in ClinVar:

NM_018365.4(MNS1):c.1450_1478dup (p.Glu494fs)

Genes: MNS1 (meiosis specific nuclear structural 1; minus strand), TEX9 (testis expressed 9; plus strand). Cytogenetic location: 15q21.3.
Variant type: Duplication.
Coding change: c.1450_1478dup on transcript NM_018365.4 (MANE Select); coding-DNA positions 1450 to 1478, 29 bases duplicated (GTATATCAACAAAGGAGTGAAATTTGTGA).
Protein change: p.Glu494fs; shifts the reading frame from glutamic acid 494.
Molecular consequence: frameshift variant. On other transcripts: 3 prime UTR variant (13), non-coding transcript variant (4), intron variant (3).
Genome position (GRCh38, 1-based): chr15:56,429,111-56,429,139, TCACAAATTTCACTCCTTTGTTGATATAC duplicated on the plus strand (GTATATCAACAAAGGAGTGAAATTTGTGA on the coding strand, the reverse complement: MNS1 is on the minus strand); duplicating any 29 consecutive bases within chr15:56,429,111-56,429,140 gives the same sequence; the c. name uses the placement nearest the transcript's 3' end. VCF-style (leftmost placement, unchanged base first): chr15-56429110-T-TTCACAAATTTCACTCCTTTGTTGATATAC. GRCh37 (hg19) VCF-style: chr15-56721308-T-TTCACAAATTTCACTCCTTTGTTGATATAC.
Other names: c.*668_*696dup (NM_001385040.1, NM_001385041.1, NM_001385042.1 and 10 more transcripts); c.*29+639_*29+667dup (NM_001385043.1, NM_001286449.2, NM_198524.3); short protein forms E494fs.
Identifiers: ClinVar variation 5038082 (VCV005038082.1).

ClinVar aggregate classification (germline): Uncertain significance (1 of 4 stars; one submission).

Conditions:
Heterotaxy, visceral, 9, autosomal, with male infertility. Identifiers: MedGen C5394551, MONDO:0030070, OMIM 618948.

Submission:

MVZ Medizinische Genetik Mainz
Classification: Uncertain significance for Heterotaxy, visceral, 9, autosomal, with male infertility. Last evaluated: 2026-02-06. Review status: criteria provided, single submitter. Criteria: UK Practice Guidelines For Variant Classification V4 01 2020. Collection method: clinical testing. Allele origin: germline. Inheritance: Autosomal recessive inheritance. Affected: yes. Observed: 1 variant allele.
Comment: ACMG Criteria: PVS1_MOD,PM3,PM2_SUP; Compound Heterozygote